The following is an entry in ClinVar:

ClinVar aggregate classification (germline): Uncertain significance. Review status: criteria provided, multiple submitters, no conflicts (2 of 4 stars). 2 submissions from 2 submitters: Uncertain significance (2). Last evaluated 2022-04-08.

Conditions:
Kleefstra syndrome 1 (KLEFS1). Identifiers: Orphanet 261494, MedGen C0795833, MONDO:0027407, OMIM 610253.

Allele frequency attached by ClinVar (database versions not stated): gnomAD exomes below 0.00001; TOPMed below 0.00001; gnomAD 0.00001.
gnomAD v4.1: 3 of 1,613,700 alleles (0.00019%); highest among the groups gnomAD compares: Admixed American, 0.0017%; no homozygotes.

Submissions (2):

Labcorp Genetics (formerly Invitae), Labcorp
Classification: Uncertain significance for Kleefstra syndrome 1. Last evaluated: 2022-04-08. Review status: criteria provided, single submitter. Criteria: Invitae Variant Classification Sherloc (09022015). Collection method: clinical testing. Allele origin: germline.
Comment: This sequence change replaces arginine, which is basic and polar, with glutamine, which is neutral and polar, at codon 961 of the EHMT1 protein (p.Arg961Gln). This variant is not present in population databases (gnomAD no frequency). This variant has not been reported in the literature in individuals affected with EHMT1-related conditions. Algorithms developed to predict the effect of missense changes on protein structure and function are either unavailable or do not agree on the potential impact of this missense change (SIFT: "Deleterious"; PolyPhen-2: "Benign"; Align-GVGD: "Class C0"). Algorithms developed to predict the effect of sequence changes on RNA splicing suggest that this variant may disrupt the consensus splice site. In summary, the available evidence is currently insufficient to determine the role of this variant in disease. Therefore, it has been classified as a Variant of Uncertain Significance.

Blueprint Genetics
Classification: Uncertain significance. Last evaluated: 2020-06-23. Review status: criteria provided, single submitter. Criteria: ACMG Guidelines, 2015. Collection method: clinical testing. Allele origin: germline.

NM_024757.5(EHMT1):c.2882G>A (p.Arg961Gln)

Gene: EHMT1 (euchromatic histone lysine methyltransferase 1; plus strand). Cytogenetic location: 9q34.3.
Variant type: single nucleotide variant.
Coding change: c.2882G>A on transcript NM_024757.5 (MANE Select); coding-DNA position 2882, G replaced by A.
Protein change: p.Arg961Gln; replaces arginine 961 with glutamine.
Molecular consequence: missense variant.
Genome position (GRCh38, 1-based): chr9:137,813,020, G>A. VCF-style: chr9-137813020-G-A. GRCh37 (hg19) VCF-style: chr9-140707472-G-A.
Other names: c.2861G>A, p.Arg954Gln (NM_001354263.2); short protein forms R961Q, R954Q.
Identifiers: ClinVar variation 2166650 (VCV002166650.5), dbSNP rs886063737, ClinGen allele CA10633344.
Genomic context (GRCh38, chr9:137,813,020, plus strand): 5'-TCAAGTCAGCTTTAAATGTTTTGTGGCCTTACATTTTCCCTTTTAGCCTCTTTCTTTCTC[G>A]GGATTCAGATGTCACCTTAAAGAACAAGGAAGGAGAGACGCCCCTGCAGTGTGCGAGCCT-3'
Protein context (NP_079033.4, residues 951-971): RYDCVVLFLS[Arg961Gln]DSDVTLKNKE